The following is an entry in ClinVar:

NM_005559.4(LAMA1):c.1673C>T (p.Ala558Val)

Gene: LAMA1 (laminin subunit alpha 1; minus strand). Cytogenetic location: 18p11.31.
Variant type: single nucleotide variant.
Coding change: c.1673C>T on transcript NM_005559.4 (MANE Select); coding-DNA position 1673, C replaced by T.
Protein change: p.Ala558Val; replaces alanine 558 with valine.
Molecular consequence: missense variant.
Genome position (GRCh38, 1-based): chr18:7,037,642, G>A on the plus strand (C>T on the coding strand, the complement: LAMA1 is on the minus strand). VCF-style: chr18-7037642-G-A. GRCh37 (hg19) VCF-style: chr18-7037641-G-A.
Other names: p.Ala558Val; short protein forms A558V.
Identifiers: ClinVar variation 713832 (VCV000713832.54), dbSNP rs143997842, ClinGen allele CA8882921.

ClinVar aggregate classification (germline): Benign/Likely benign. Review status: criteria provided, multiple submitters, no conflicts (2 of 4 stars). 7 submissions from 7 submitters: Benign (3); Likely benign (4). Last evaluated 2026-05-01.

Conditions:
Inborn genetic diseases. Identifiers: MedGen C0950123, MeSH D030342.
Intellectual disability. Also called: Intellectual functioning disability; Intellectual developmental disorder; intellectual disabilities. Identifiers: HP:0007044, MedGen C3714756, MeSH D008607, MONDO:0001071.

Allele frequency attached by ClinVar (database versions not stated): 1000 Genomes Project 0.00180; 1000 Genomes Project 30x 0.00187; gnomAD 0.00343 and 0.00351; gnomAD exomes 0.00364; ExAC 0.00367; TOPMed 0.00385; ESP Exome Variant Server 0.00454.
gnomAD v4.1: 9,329 of 1,614,136 alleles (0.58%); highest among the groups gnomAD compares: Non-Finnish European, 0.72%; 28 homozygotes.

Submissions (7):

CeGaT Center for Human Genetics Tuebingen
Classification: Likely benign. Last evaluated: 2026-05-01. Review status: criteria provided, single submitter. Criteria: CeGaT Center For Human Genetics Tuebingen Variant Classification Criteria Version 2. Collection method: clinical testing. Allele origin: germline. Affected: yes. Observed: 19 variant alleles.
Comment: LAMA1: BP4, BS2

Labcorp Genetics (formerly Invitae), Labcorp
Classification: Benign. Last evaluated: 2026-01-19. Review status: criteria provided, single submitter. Criteria: Invitae Variant Classification Sherloc (09022015). Collection method: clinical testing. Allele origin: germline.

Blueprint Genetics
Classification: Likely benign. Last evaluated: 2024-11-26. Review status: criteria provided, single submitter. Criteria: ACMG Guidelines, 2015. Collection method: clinical testing. Allele origin: germline.

Mayo Clinic Laboratories, Mayo Clinic
Classification: Benign. Last evaluated: 2023-06-15. Review status: criteria provided, single submitter. Criteria: ACMG Guidelines, 2015. Collection method: clinical testing. Allele origin: germline. Observed: 5 variant alleles.
Comment: BS1, BS2

Ambry Genetics
Classification: Likely benign for Inborn genetic diseases. Last evaluated: 2021-06-06. Review status: criteria provided, single submitter. Criteria: Ambry Variant Classification Scheme 2023. Collection method: clinical testing. Allele origin: germline.

Cambridge Genomics Laboratory, East Genomic Laboratory Hub, NHS Genomic Medicine Service
Classification: Benign for Intellectual disability. Last evaluated: 2020-03-20. Review status: criteria provided, single submitter. Criteria: ACGS Best Practice Guidelines for Variant Classification in Rare Disease 2020. Collection method: clinical testing. Allele origin: germline. Affected: yes. Observed: 1 variant allele.

Breakthrough Genomics
Classification: Likely benign. Review status: criteria provided, single submitter. Criteria: ACMG Guidelines, 2015. Collection method: not provided. Allele origin: germline. Inheritance: Autosomal recessive inheritance. Affected: yes.